The following is an entry in ClinVar:

NM_001130438.3(SPTAN1):c.3155A>G (p.Gln1052Arg)

Gene: SPTAN1 (spectrin alpha, non-erythrocytic 1; plus strand). Cytogenetic location: 9q34.11.
Variant type: single nucleotide variant.
Coding change: c.3155A>G on transcript NM_001130438.3 (MANE Select); coding-DNA position 3155, A replaced by G.
Protein change: p.Gln1052Arg; replaces glutamine 1052 with arginine.
Molecular consequence: missense variant.
Genome position (GRCh38, 1-based): chr9:128,591,625, A>G. VCF-style: chr9-128591625-A-G. GRCh37 (hg19) VCF-style: chr9-131353904-A-G.
Other names: c.3155A>G, p.Gln1052Arg (NM_001195532.2, NM_001363759.2, NM_001363765.2 and 5 more transcripts); c.3191A>G, p.Gln1064Arg (NM_001375312.2, NM_001375318.1); short protein forms Q1052R, Q1064R.
Identifiers: ClinVar variation 1483080 (VCV001483080.7), dbSNP rs1362381770, ClinGen allele CA375060679.
Genomic context (GRCh38, chr9:128,591,625, plus strand): 5'-GGGAGAATCTCCTGGAGGAGCAAGGCAGCATAGCACTGCGGCAGGAGCAGATTGACAATC[A>G]GTAAGGATGACACTGGGGGCCGCAAGGGCTAGGCGTCCCATAGGCATACTCTGTTCCACA-3'
Protein context (NP_001123910.1, residues 1042-1062): IALRQEQIDN[Gln1052Arg]TRITKEAGSV

ClinVar aggregate classification (germline): Uncertain significance (1 of 4 stars; one submission).

Conditions:
Early-infantile DEE. Also called: Early infantile epileptic encephalopathy; Early infantile epileptic encephalopathy with suppression bursts; Ohtahara syndrome. Identifiers: Orphanet 1934, MedGen C0393706, MONDO:0800491.

Allele frequency attached by ClinVar (database versions not stated): gnomAD exomes below 0.00001; TOPMed below 0.00001; gnomAD 0.00001.
gnomAD v4.1: 4 of 1,613,868 alleles (0.00025%); highest among the groups gnomAD compares: African/African-American, 0.0013%; no homozygotes.

Submission:

Labcorp Genetics (formerly Invitae), Labcorp
Classification: Uncertain significance for Early-infantile DEE. Last evaluated: 2025-01-28. Review status: criteria provided, single submitter. Criteria: Invitae Variant Classification Sherloc (09022015). Collection method: clinical testing. Allele origin: germline.
Comment: This sequence change replaces glutamine, which is neutral and polar, with arginine, which is basic and polar, at codon 1052 of the SPTAN1 protein (p.Gln1052Arg). This variant is present in population databases (no rsID available, gnomAD 0.01%). This variant has not been reported in the literature in individuals affected with SPTAN1-related conditions. ClinVar contains an entry for this variant (Variation ID: 1483080). An algorithm developed to predict the effect of missense changes on protein structure and function (PolyPhen-2) suggests that this variant is likely to be tolerated. In summary, the available evidence is currently insufficient to determine the role of this variant in disease. Therefore, it has been classified as a Variant of Uncertain Significance.